The following is an entry in ClinVar:

GRCh38/hg38 Xq28(chrX:153688786-153697345)x0

Gene: SLC6A8 (solute carrier family 6 member 8; plus strand). Cytogenetic location: Xq28.
Variant type: copy number loss.
Change: copy number 0 of chrX:153,688,786-153,697,345 (8.6 kb, GRCh38 coordinates, 1-based), cytogenetic band Xq28.
Identifiers: ClinVar variation 154836 (VCV000154836.3).

ClinVar aggregate classification (germline): Likely pathogenic (0 of 4 stars; one submission).

Submission:

ISCA site 4
Classification: Likely pathogenic. Last evaluated: 2017-09-01. Review status: no assertion criteria provided. Collection method: clinical testing. Allele origin: unknown. Affected: yes. Observed: 2 variant alleles.
Comment: Copy number variation identified through the course of routine clinical cytogenomic testing in postnatal populations, with clinical assertions as classified by the original submitter.